The following is an entry in ClinVar:

ClinVar aggregate classification (germline): Benign (1 of 4 stars; one submission).

Conditions:
Leigh syndrome (NULS). Also called: Leigh's necrotizing encephalopathy; Leigh's disease; Leigh's syndrome; LEIGH SYNDROME, NUCLEAR; Leigh Syndrome (mtDNA deletion); Leigh Disease. Identifiers: Orphanet 506, MedGen C2931891, MONDO:0009723, OMIM 256000.

Submission:

Wong Mito Lab, Molecular and Human Genetics, Baylor College of Medicine
Classification: Benign for Leigh syndrome. Last evaluated: 2019-10-17. Review status: criteria provided, single submitter. Criteria: Modified ACMG Guidelines (Unpublished). Collection method: clinical testing. Allele origin: germline.
Comment: The NC_012920.1:m.13973A>T (YP_003024036.1:p.Gln546Leu) variant in MTND5 gene is interpretated to be a Benign variant based on the modified ACMG guidelines (unpublished). This variant meets the following evidence codes: BS1, BS2

NC_012920.1(MT-ND5):m.13973A>T

Gene: MT-ND5 (mitochondrially encoded NADH dehydrogenase 5; plus strand).
Variant type: single nucleotide variant.
Genome position: chrM-13973-A-T.
Identifiers: ClinVar variation 693645 (VCV000693645.1), dbSNP rs1603224442, ClinGen allele CA414820331.